The following is an entry in ClinVar:

ClinVar aggregate classification (germline): Uncertain significance (1 of 4 stars; one submission).

Conditions:
Aortic aneurysm, familial thoracic 8 (AAT8). Identifiers: MedGen C3809513, MONDO:0014187, OMIM 615436.

Submission:

Labcorp Genetics (formerly Invitae), Labcorp
Classification: Uncertain significance for Aortic aneurysm, familial thoracic 8. Last evaluated: 2025-08-14. Review status: criteria provided, single submitter. Criteria: Invitae Variant Classification Sherloc (09022015). Collection method: clinical testing. Allele origin: germline.
Comment: This sequence change replaces aspartic acid, which is acidic and polar, with alanine, which is neutral and non-polar, at codon 334 of the PRKG1 protein (p.Asp334Ala). This variant is not present in population databases (gnomAD no frequency). This variant has not been reported in the literature in individuals affected with PRKG1-related conditions. An algorithm developed to predict the effect of missense changes on protein structure and function (PolyPhen-2) suggests that this variant is likely to be tolerated. In summary, the available evidence is currently insufficient to determine the role of this variant in disease. Therefore, it has been classified as a Variant of Uncertain Significance.

NM_006258.4(PRKG1):c.1001A>C (p.Asp334Ala)

Gene: PRKG1 (protein kinase cGMP-dependent 1; plus strand). Cytogenetic location: 10q21.1.
Variant type: single nucleotide variant.
Coding change: c.1001A>C on transcript NM_006258.4 (MANE Select); coding-DNA position 1001, A replaced by C.
Protein change: p.Asp334Ala; replaces aspartic acid 334 with alanine.
Molecular consequence: missense variant. On other transcripts: 5 prime UTR variant (1).
Genome position (GRCh38, 1-based): chr10:52,133,905, A>C. VCF-style: chr10-52133905-A-C. GRCh37 (hg19) VCF-style: chr10-53893665-A-C.
Other names: c.956A>C, p.Asp319Ala (NM_001098512.3); c.-209A>C (NM_001374781.1); short protein forms D334A, D319A.
Identifiers: ClinVar variation 4725443 (VCV004725443.1).